The following is an entry in ClinVar:

ClinVar aggregate classification (germline): Uncertain significance. Review status: criteria provided, multiple submitters, no conflicts (2 of 4 stars). 2 submissions from 2 submitters: Uncertain significance (2). Last evaluated 2025-04-20.

Submissions (2):

Labcorp Genetics (formerly Invitae), Labcorp
Classification: Uncertain significance. Last evaluated: 2025-04-20. Review status: criteria provided, single submitter. Criteria: Invitae Variant Classification Sherloc (09022015). Collection method: clinical testing. Allele origin: germline.
Comment: This sequence change replaces threonine, which is neutral and polar, with isoleucine, which is neutral and non-polar, at codon 3261 of the KMT2A protein (p.Thr3261Ile). This variant is not present in population databases (gnomAD no frequency). This variant has not been reported in the literature in individuals affected with KMT2A-related conditions. Invitae Evidence Modeling of protein sequence and biophysical properties (such as structural, functional, and spatial information, amino acid conservation, physicochemical variation, residue mobility, and thermodynamic stability) indicates that this missense variant is not expected to disrupt KMT2A protein function with a negative predictive value of 95%. In summary, the available evidence is currently insufficient to determine the role of this variant in disease. Therefore, it has been classified as a Variant of Uncertain Significance.

Blueprint Genetics
Classification: Uncertain significance. Last evaluated: 2024-09-12. Review status: criteria provided, single submitter. Criteria: ACMG Guidelines, 2015. Collection method: clinical testing. Allele origin: germline.

NM_001197104.2(KMT2A):c.9782C>T (p.Thr3261Ile)

Gene: KMT2A (lysine methyltransferase 2A; plus strand). Cytogenetic location: 11q23.3.
Variant type: single nucleotide variant.
Coding change: c.9782C>T on transcript NM_001197104.2 (MANE Select); coding-DNA position 9782, C replaced by T.
Protein change: p.Thr3261Ile; replaces threonine 3261 with isoleucine.
Molecular consequence: missense variant.
Genome position (GRCh38, 1-based): chr11:118,505,674, C>T. VCF-style: chr11-118505674-C-T. GRCh37 (hg19) VCF-style: chr11-118376389-C-T.
Other names: c.9872C>T, p.Thr3291Ile (NM_001412597.1); c.9773C>T, p.Thr3258Ile (NM_005933.4); short protein forms T3258I, T3261I, T3291I.
Identifiers: ClinVar variation 4812193 (VCV004812193.2).